The following is an entry in ClinVar:

NM_000393.5(COL5A2):c.859C>T (p.Arg287Cys)

Gene: COL5A2 (collagen type V alpha 2 chain; minus strand). Cytogenetic location: 2q32.2.
Variant type: single nucleotide variant.
Coding change: c.859C>T on transcript NM_000393.5 (MANE Select); coding-DNA position 859, C replaced by T.
Protein change: p.Arg287Cys; replaces arginine 287 with cysteine.
Molecular consequence: missense variant.
Genome position (GRCh38, 1-based): chr2:189,081,037, G>A on the plus strand (C>T on the coding strand, the complement: COL5A2 is on the minus strand). VCF-style: chr2-189081037-G-A. GRCh37 (hg19) VCF-style: chr2-189945763-G-A.
Other names: short protein forms R287C.
Identifiers: ClinVar variation 660900 (VCV000660900.12), dbSNP rs779241228, ClinGen allele CA2022923.

ClinVar aggregate classification (germline): Uncertain significance. Review status: criteria provided, multiple submitters, no conflicts (2 of 4 stars). 2 submissions from 2 submitters: Uncertain significance (2). Last evaluated 2025-06-09.

Conditions:
Ehlers-Danlos syndrome, classic type, 1 (EDSCL1). Also called: EDS I; EHLERS-DANLOS SYNDROME, GRAVIS TYPE; EHLERS-DANLOS SYNDROME, SEVERE CLASSIC TYPE; Ehlers-Danlos Syndrome, Classic Type, COL5A1-Related; Ehlers-Danlos syndrome, type 1. Identifiers: MedGen C0268335, MONDO:0019567, OMIM 130000.

Allele frequency attached by ClinVar (database versions not stated): TOPMed below 0.00001; gnomAD 0.00001; ExAC 0.00002; gnomAD exomes below 0.00001 and 0.00001.
gnomAD v4.1: 8 of 1,613,090 alleles (0.0005%); highest among the groups gnomAD compares: African/African-American, 0.0013%; no homozygotes.

Submissions (2):

Labcorp Genetics (formerly Invitae), Labcorp
Classification: Uncertain significance for Ehlers-Danlos syndrome, classic type, 1. Last evaluated: 2025-06-09. Review status: criteria provided, single submitter. Criteria: Invitae Variant Classification Sherloc (09022015). Collection method: clinical testing. Allele origin: germline.
Comment: This sequence change replaces arginine, which is basic and polar, with cysteine, which is neutral and slightly polar, at codon 287 of the COL5A2 protein (p.Arg287Cys). This variant is present in population databases (rs779241228, gnomAD 0.002%). This variant has not been reported in the literature in individuals affected with COL5A2-related conditions. ClinVar contains an entry for this variant (Variation ID: 660900). Invitae Evidence Modeling of protein sequence and biophysical properties (such as structural, functional, and spatial information, amino acid conservation, physicochemical variation, residue mobility, and thermodynamic stability) has been performed for this missense variant. However, the output from this modeling did not meet the statistical confidence thresholds required to predict the impact of this variant on COL5A2 protein function. In summary, the available evidence is currently insufficient to determine the role of this variant in disease. Therefore, it has been classified as a Variant of Uncertain Significance.

GeneDx
Classification: Uncertain significance. Last evaluated: 2020-12-17. Review status: criteria provided, single submitter. Criteria: GeneDx Variant Classification Process June 2021. Collection method: clinical testing. Allele origin: germline. Affected: yes.
Comment: Has not been previously published as pathogenic or benign to our knowledge; Not observed at a significant frequency in large population cohorts (Lek et al., 2016); In silico analysis supports that this missense variant has a deleterious effect on protein structure/function; Reported in ClinVar as a variant of uncertain significance (ClinVar Variant ID# 660900; Landrum et al., 2016)